The following is an entry in ClinVar:

ClinVar aggregate classification (germline): Uncertain significance (1 of 4 stars; one submission).

Allele frequency attached by ClinVar (database versions not stated): gnomAD 0.00002; TOPMed 0.00009.
gnomAD v4.1: 6 of 1,613,740 alleles (0.00037%); highest among the groups gnomAD compares: Admixed American, 0.005%; no homozygotes.

Submission:

Athena Diagnostics
Classification: Uncertain significance. Last evaluated: 2023-06-09. Review status: criteria provided, single submitter. Criteria: Athena Diagnostics Criteria. Collection method: clinical testing. Allele origin: unknown.
Comment: Available data are insufficient to determine the clinical significance of the variant at this time. The frequency of this variant in the general population is uninformative in assessment of its pathogenicity. Computational tools disagree on the variant's effect on normal protein function.

NM_001278064.2(GRM1):c.1201G>A (p.Glu401Lys)

Gene: GRM1 (glutamate metabotropic receptor 1; plus strand). Cytogenetic location: 6q24.3.
Variant type: single nucleotide variant.
Coding change: c.1201G>A on transcript NM_001278064.2 (MANE Select); coding-DNA position 1201, G replaced by A.
Protein change: p.Glu401Lys; replaces glutamic acid 401 with lysine.
Molecular consequence: missense variant.
Genome position (GRCh38, 1-based): chr6:146,352,264, G>A. VCF-style: chr6-146352264-G-A. GRCh37 (hg19) VCF-style: chr6-146673400-G-A.
Other names: c.1201G>A, p.Glu401Lys (NM_001278065.2, NM_001278066.1, NM_001278067.1); short protein forms E401K.
Identifiers: ClinVar variation 2684214 (VCV002684214.1), dbSNP rs1018703074, ClinGen allele CA149277431.